The following is an entry in ClinVar:

NM_001371986.1(UNC80):c.9227A>G (p.Gln3076Arg)

Gene: UNC80 (unc-80 homolog, NALCN channel complex subunit; plus strand). Cytogenetic location: 2q34.
Variant type: single nucleotide variant.
Coding change: c.9227A>G on transcript NM_001371986.1 (MANE Select); coding-DNA position 9227, A replaced by G.
Protein change: p.Gln3076Arg; replaces glutamine 3076 with arginine.
Molecular consequence: missense variant.
Genome position (GRCh38, 1-based): chr2:209,982,287, A>G. VCF-style: chr2-209982287-A-G. GRCh37 (hg19) VCF-style: chr2-210847011-A-G.
Other names: c.9029A>G, p.Gln3010Arg (NM_032504.2); c.9014A>G, p.Gln3005Arg (NM_182587.4); short protein forms Q3005R, Q3010R, Q3076R.
Identifiers: ClinVar variation 3385218 (VCV003385218.1).

ClinVar aggregate classification (germline): Uncertain significance (1 of 4 stars; one submission).

Submission:

Women's Health and Genetics/Laboratory Corporation of America, LabCorp
Classification: Uncertain significance. Last evaluated: 2024-10-17. Review status: criteria provided, single submitter. Criteria: LabCorp Variant Classification Summary - May 2015. Collection method: clinical testing. Allele origin: germline.
Comment: Variant summary: UNC80 c.9029A>G (p.Gln3010Arg) results in a conservative amino acid change in the encoded protein sequence. Three of five in-silico tools predict a damaging effect of the variant on protein function. The variant was absent in 156334 control chromosomes. The available data on variant occurrences in the general population are insufficient to allow any conclusion about variant significance. To our knowledge, no occurrence of c.9029A>G in individuals affected with Infantile Hypotonia With Psychomotor Retardation And Characteristic Facies 2 and no experimental evidence demonstrating its impact on protein function have been reported. No submitters have cited clinical-significance assessments for this variant to ClinVar. Based on the evidence outlined above, the variant was classified as uncertain significance.